The following is an entry in ClinVar:

NM_001042492.3(NF1):c.4458del (p.Pro1487fs)

Gene: NF1 (neurofibromin 1; plus strand). Cytogenetic location: 17q11.2.
Variant type: Deletion.
Coding change: c.4458del on transcript NM_001042492.3 (MANE Select); coding-DNA position 4458, one base deleted (T; older notation c.4458delT).
Protein change: p.Pro1487fs; shifts the reading frame from proline 1487.
Molecular consequence: frameshift variant.
Genome position (GRCh38, 1-based): chr17:31,260,396, T deleted. VCF-style (leftmost placement, unchanged base first): chr17-31260395-GT-G. GRCh37 (hg19) VCF-style: chr17-29587413-GT-G.
Other names: c.4395del, p.Pro1466fs (NM_000267.4); short protein forms P1466fs, P1487fs.
Identifiers: ClinVar variation 4876083 (VCV004876083.1).

ClinVar aggregate classification (germline): Pathogenic (1 of 4 stars; one submission).

Conditions:
Neurofibromatosis, type 1 (NF1). Also called: VON RECKLINGHAUSEN DISEASE; NEUROFIBROMATOSIS, TYPE I, SOMATIC; Peripheral type neurofibromatosis; Neurofibromatosis, type I. Identifiers: Orphanet 636, MedGen C0027831, MONDO:0018975, OMIM 162200. Disease mechanism: loss of function.

Submission:

Myriad Genetics, Inc.
Classification: Pathogenic for Neurofibromatosis, type 1. Last evaluated: 2026-06-04. Review status: criteria provided, single submitter. Criteria: Myriad Autosomal Dominant, Autosomal Recessive and X-Linked Classification Criteria (2023). Collection method: clinical testing. Allele origin: unknown.
Comment: This variant is considered pathogenic. This variant creates a frameshift predicted to result in premature protein truncation.